The following is an entry in ClinVar:

ClinVar aggregate classification (germline): Benign/Likely benign. Review status: criteria provided, multiple submitters, no conflicts (2 of 4 stars). 8 submissions from 8 submitters: Benign (4); Likely benign (4). Last evaluated 2026-01-28.

Conditions:
Cardiovascular phenotype. Identifiers: MedGen CN230736.
Cardiac arrhythmia. Also called: Arrhythmia; Cardiac rhythm disease. Identifiers: MedGen C0003811, MONDO:0007263, HP:0011675.
Long QT syndrome (LQTS). Identifiers: MedGen C0023976, MeSH D008133, MONDO:0002442. Disease mechanism: loss of function. Inheritance: Various modes of inheritance.
Long QT syndrome 2 (LQT2). Identifiers: Orphanet 101016, Orphanet 768, MedGen C3150943, MONDO:0013367, OMIM 613688.

Allele frequency attached by ClinVar (database versions not stated): gnomAD exomes 0.00009 and 0.00024; ExAC 0.00025; 1000 Genomes Project 0.00060; 1000 Genomes Project 30x 0.00062; ESP Exome Variant Server 0.00077; gnomAD 0.00088 and 0.00096; TOPMed 0.00099.
gnomAD v4.1: 264 of 1,588,234 alleles (0.017%); highest among the groups gnomAD compares: African/African-American, 0.29%; 1 homozygote.

Submissions (8):

Labcorp Genetics (formerly Invitae), Labcorp
Classification: Benign for Long QT syndrome. Last evaluated: 2026-01-28. Review status: criteria provided, single submitter. Criteria: Invitae Variant Classification Sherloc (09022015). Collection method: clinical testing. Allele origin: germline.

Blueprint Genetics
Classification: Likely benign. Last evaluated: 2024-11-19. Review status: criteria provided, single submitter. Criteria: ACMG Guidelines, 2015. Collection method: clinical testing. Allele origin: germline.

All of Us Research Program, National Institutes of Health
Classification: Benign for Long QT syndrome. Last evaluated: 2024-01-03. Review status: criteria provided, single submitter. Criteria: ACMG Guidelines, 2015. Collection method: clinical testing. Allele origin: germline. Inheritance: Autosomal dominant inheritance. Observed: 46 variant alleles, 46 heterozygotes.
Comment: This study involves interpretation of variants in research participants for the purpose of population health screening. Participant phenotype was not available at the time of variant classification. Additional details can be found in publication PMID: 35346344, PMCID: PMC8962531

ARUP Laboratories, Molecular Genetics and Genomics, ARUP Laboratories
Classification: Likely benign. Last evaluated: 2021-05-22. Review status: criteria provided, single submitter. Criteria: ARUP Molecular Germline Variant Investigation Process 2021. Collection method: clinical testing. Allele origin: germline.

Color Diagnostics, LLC DBA Color Health
Classification: Benign for Arrhythmia. Last evaluated: 2018-10-30. Review status: criteria provided, single submitter. Criteria: ACMG Guidelines, 2015. Collection method: clinical testing. Allele origin: germline.

Illumina Laboratory Services, Illumina
Classification: Likely benign for Long QT syndrome 2. Last evaluated: 2018-01-13. Review status: criteria provided, single submitter. Criteria: ICSL Variant Classification Criteria 13 December 2019. Collection method: clinical testing. Allele origin: germline.
Comment: This variant was observed in the ICSL laboratory as part of a predisposition screen in an ostensibly healthy population. It had not been previously curated by ICSL or reported in the Human Gene Mutation Database (HGMD: prior to June 1st, 2018), and was therefore a candidate for classification through an automated scoring system. Utilizing variant allele frequency, disease prevalence and penetrance estimates, and inheritance mode, an automated score was calculated to assess if this variant is too frequent to cause the disease. Based on the score and internal cut-off values, a variant classified as likely benign is not then subjected to further curation. The score for this variant resulted in a classification of likely benign for this disease.

Ambry Genetics
Classification: Likely benign for Cardiovascular phenotype. Last evaluated: 2015-06-29. Review status: criteria provided, single submitter. Criteria: Ambry Variant Classification Scheme 2023. Collection method: clinical testing. Allele origin: germline.

GeneDx
Classification: Benign. Last evaluated: 2013-02-04. Review status: criteria provided, single submitter. Criteria: GeneDx Variant Classification (06012015). Collection method: clinical testing. Allele origin: germline. Affected: yes.
Comment: This variant is considered likely benign or benign based on one or more of the following criteria: it is a conservative change, it occurs at a poorly conserved position in the protein, it is predicted to be benign by multiple in silico algorithms, and/or has population frequency not consistent with disease.

NM_000238.4(KCNH2):c.1581G>A (p.Ala527=)

Gene: KCNH2 (potassium voltage-gated channel subfamily H member 2; minus strand). Cytogenetic location: 7q36.1.
Variant type: single nucleotide variant.
Coding change: c.1581G>A on transcript NM_000238.4 (MANE Select); coding-DNA position 1581, G replaced by A.
Protein change: p.Ala527=; no amino-acid change (alanine 527 retained).
Molecular consequence: synonymous variant. On other transcripts: non-coding transcript variant (2).
Genome position (GRCh38, 1-based): chr7:150,951,812, C>T on the plus strand (G>A on the coding strand, the complement: KCNH2 is on the minus strand). VCF-style: chr7-150951812-C-T. GRCh37 (hg19) VCF-style: chr7-150648900-C-T.
Other names: p.A527A:GCG>GCA; c.561G>A, p.Ala187= (NM_001204798.2, NM_172057.3); c.1293G>A, p.Ala431= (NM_001406753.1, NM_001406756.1); c.1404G>A, p.Ala468= (NM_001406755.1); c.1281G>A, p.Ala427= (NM_001406757.1); c.1581G>A, p.Ala527= (NM_172056.3).
Identifiers: ClinVar variation 200224 (VCV000200224.29), dbSNP rs150275982, ClinGen allele CA004841.